The following is an entry in ClinVar:

ClinVar aggregate classification (germline): Uncertain significance. Review status: criteria provided, single submitter (1 of 4 stars). 2 submissions from 2 submitters: Uncertain significance (1). 1 of the submissions does not count toward it. Last evaluated 2024-08-21.

Conditions:
Neurodevelopmental abnormality. Identifiers: MedGen C4022737, HP:0012759.

Allele frequency attached by ClinVar (database versions not stated): gnomAD exomes below 0.00001.
gnomAD v4.1: 2 of 1,554,926 alleles (0.00013%); highest among the groups gnomAD compares: Non-Finnish European, 0.00018%; no homozygotes.

Submissions (2):

GeneDx
Classification: Uncertain significance. Last evaluated: 2024-08-21. Review status: criteria provided, single submitter. Criteria: GeneDx Variant Classification Process June 2021. Collection method: clinical testing. Allele origin: germline. Affected: yes.
Comment: Not observed at significant frequency in large population cohorts (gnomAD); In silico analysis supports that this missense variant has a deleterious effect on protein structure/function; Has not been previously published as pathogenic or benign to our knowledge

Department of Genetics, Rouen University Hospital, Normandy Center for Genomic and Personalized Medicine
Classification: Likely benign for Neurodevelopmental abnormality. Last evaluated: 2020-04-03. Review status: no assertion criteria provided. Collection method: clinical testing. Allele origin: maternal. Affected: yes. Not counted in ClinVar's aggregate classification.

NM_015215.4(CAMTA1):c.122A>G (p.His41Arg)

Gene: CAMTA1 (calmodulin binding transcription activator 1; plus strand). Cytogenetic location: 1p36.31.
Variant type: single nucleotide variant.
Coding change: c.122A>G on transcript NM_015215.4 (MANE Select); coding-DNA position 122, A replaced by G.
Protein change: p.His41Arg; replaces histidine 41 with arginine.
Molecular consequence: missense variant. On other transcripts: non-coding transcript variant (4).
Genome position (GRCh38, 1-based): chr1:6,825,098, A>G. VCF-style: chr1-6825098-A-G. GRCh37 (hg19) VCF-style: chr1-6885158-A-G.
Other names: c.122A>G, p.His41Arg (NM_001195563.2, NM_001242701.2, NM_001349609.2 and 1 more transcripts); c.32A>G, p.His11Arg (NM_001349608.2, NM_001349612.2); c.158A>G, p.His53Arg (NM_001349627.2); c.122A>G (NM_015215.3); short protein forms H11R, H41R, H53R.
Identifiers: ClinVar variation 984541 (VCV000984541.3), dbSNP rs1646960047, ClinGen allele CA338217602.